The following is an entry in ClinVar:

ClinVar aggregate classification (germline): Uncertain significance. Review status: criteria provided, multiple submitters, no conflicts (2 of 4 stars). 3 submissions from 3 submitters: Uncertain significance (3). Last evaluated 2024-11-25.

Conditions:
Autosomal recessive limb-girdle muscular dystrophy type 2L (LGMDR12). Also called: Limb-girdle muscular dystrophy, type 2L; Limb-Girdle Muscular Dystrophy R12 Anoctamin-5-Related (LGMD-R12); MUSCULAR DYSTROPHY, LIMB-GIRDLE, AUTOSOMAL RECESSIVE 12. Identifiers: Orphanet 206549, MedGen C1969785, MONDO:0012652, OMIM 611307.
Gnathodiaphyseal dysplasia (GDD). Also called: GNATHODIAPHYSEAL SCLEROSIS; OSTEOGENESIS IMPERFECTA WITH UNUSUAL SKELETAL LESIONS. Identifiers: Orphanet 53697, MedGen C1833736, MONDO:0008151, OMIM 166260.

Allele frequency attached by ClinVar (database versions not stated): ExAC 0.00001; TOPMed 0.00006; ESP Exome Variant Server 0.00008; 1000 Genomes Project 0.00020; 1000 Genomes Project 30x 0.00031.

Submissions (3):

Labcorp Genetics (formerly Invitae), Labcorp
Classification: Uncertain significance for Autosomal recessive limb-girdle muscular dystrophy type 2L; Gnathodiaphyseal dysplasia. Last evaluated: 2024-11-25. Review status: criteria provided, single submitter. Criteria: Invitae Variant Classification Sherloc (09022015). Collection method: clinical testing. Allele origin: germline.
Comment: This sequence change replaces proline, which is neutral and non-polar, with serine, which is neutral and polar, at codon 47 of the ANO5 protein (p.Pro47Ser). This variant is present in population databases (rs147323556, gnomAD 0.02%). This missense change has been observed in individual(s) with clinical features of limb-girdle muscular dystrophy (PMID: 30564623). ClinVar contains an entry for this variant (Variation ID: 288900). Invitae Evidence Modeling of protein sequence and biophysical properties (such as structural, functional, and spatial information, amino acid conservation, physicochemical variation, residue mobility, and thermodynamic stability) indicates that this missense variant is not expected to disrupt ANO5 protein function with a negative predictive value of 80%. In summary, the available evidence is currently insufficient to determine the role of this variant in disease. Therefore, it has been classified as a Variant of Uncertain Significance.

Revvity Omics, Revvity
Classification: Uncertain significance. Last evaluated: 2024-05-15. Review status: criteria provided, single submitter. Criteria: ACMG Guidelines, 2015. Collection method: clinical testing. Allele origin: germline.

Eurofins Ntd Llc (ga)
Classification: Uncertain significance. Last evaluated: 2016-11-15. Review status: criteria provided, single submitter. Criteria: EGL Classification Definitions 2015. Collection method: clinical testing. Allele origin: germline. Observed: 2 variant alleles, 2 heterozygotes.

Literature cited by the submitters: PubMed 30564623 (cited by Labcorp Genetics (formerly Invitae), Labcorp).

NM_213599.3(ANO5):c.139C>T (p.Pro47Ser)

Gene: ANO5 (anoctamin 5; plus strand). Cytogenetic location: 11p14.3.
Variant type: single nucleotide variant.
Coding change: c.139C>T on transcript NM_213599.3 (MANE Select); coding-DNA position 139, C replaced by T.
Protein change: p.Pro47Ser; replaces proline 47 with serine.
Molecular consequence: missense variant.
Genome position (GRCh38, 1-based): chr11:22,218,246, C>T. VCF-style: chr11-22218246-C-T. GRCh37 (hg19) VCF-style: chr11-22239792-C-T.
Other names: c.139C>T (NM_213599.2); c.136C>T, p.Pro46Ser (NM_001142649.2); short protein forms P47S, P46S.
Identifiers: ClinVar variation 288900 (VCV000288900.15), dbSNP rs147323556, ClinGen allele CA5922815.